The following is an entry in ClinVar:

ClinVar aggregate classification (germline): Uncertain significance. Review status: criteria provided, multiple submitters, no conflicts (2 of 4 stars). 3 submissions from 3 submitters: Uncertain significance (3). Last evaluated 2025-03-26.

Conditions:
Early-infantile DEE. Also called: Early infantile epileptic encephalopathy; Early infantile epileptic encephalopathy with suppression bursts; Ohtahara syndrome. Identifiers: Orphanet 1934, MedGen C0393706, MONDO:0800491.
Inborn genetic diseases. Identifiers: MedGen C0950123, MeSH D030342.

Submissions (3):

Ambry Genetics
Classification: Uncertain significance for Inborn genetic diseases. Last evaluated: 2025-03-26. Review status: criteria provided, single submitter. Criteria: Ambry Variant Classification Scheme 2023. Collection method: clinical testing. Allele origin: germline.

Labcorp Genetics (formerly Invitae), Labcorp
Classification: Uncertain significance for Early-infantile DEE. Last evaluated: 2024-11-28. Review status: criteria provided, single submitter. Criteria: Invitae Variant Classification Sherloc (09022015). Collection method: clinical testing. Allele origin: germline.
Comment: This sequence change replaces alanine, which is neutral and non-polar, with valine, which is neutral and non-polar, at codon 1493 of the SPTAN1 protein (p.Ala1493Val). This variant is not present in population databases (gnomAD no frequency). This variant has not been reported in the literature in individuals affected with SPTAN1-related conditions. ClinVar contains an entry for this variant (Variation ID: 1309524). Invitae Evidence Modeling of protein sequence and biophysical properties (such as structural, functional, and spatial information, amino acid conservation, physicochemical variation, residue mobility, and thermodynamic stability) has been performed for this missense variant. However, the output from this modeling did not meet the statistical confidence thresholds required to predict the impact of this variant on SPTAN1 protein function. In summary, the available evidence is currently insufficient to determine the role of this variant in disease. Therefore, it has been classified as a Variant of Uncertain Significance.

GeneDx
Classification: Uncertain significance. Last evaluated: 2019-11-11. Review status: criteria provided, single submitter. Criteria: GeneDx Variant Classification Process June 2021. Collection method: clinical testing. Allele origin: germline. Affected: yes.
Comment: Not observed in large population cohorts (Lek et al., 2016); In silico analysis, which includes protein predictors and evolutionary conservation, supports a deleterious effect; Has not been previously published as pathogenic or benign to our knowledge

NM_001130438.3(SPTAN1):c.4478C>T (p.Ala1493Val)

Gene: SPTAN1 (spectrin alpha, non-erythrocytic 1; plus strand). Cytogenetic location: 9q34.11.
Variant type: single nucleotide variant.
Coding change: c.4478C>T on transcript NM_001130438.3 (MANE Select); coding-DNA position 4478, C replaced by T.
Protein change: p.Ala1493Val; replaces alanine 1493 with valine.
Molecular consequence: missense variant.
Genome position (GRCh38, 1-based): chr9:128,608,263, C>T. VCF-style: chr9-128608263-C-T. GRCh37 (hg19) VCF-style: chr9-131370542-C-T.
Other names: c.4478C>T, p.Ala1493Val (NM_001375313.1, NM_003127.4, NM_001363759.2 and 2 more transcripts); c.4418C>T, p.Ala1473Val (NM_001375314.2, NM_001195532.2, NM_001363765.2); c.4514C>T, p.Ala1505Val (NM_001375318.1, NM_001375312.2); short protein forms A1473V, A1493V, A1505V.
Identifiers: ClinVar variation 1309524 (VCV001309524.7), dbSNP rs2131621179, ClinGen allele CA375067403.